The following is an entry in ClinVar:

ClinVar aggregate classification (germline): Conflicting classifications of pathogenicity. Review status: criteria provided, conflicting classifications (1 of 4 stars). 6 submissions from 6 submitters: Uncertain significance (1); Likely benign (5). Last evaluated 2026-05-01.

Conditions:
TTN-related disorder. Also called: TTN-related disorders; TTN-related condition; TTN-related disease.
Dilated cardiomyopathy 1G (CMD1G). Identifiers: Orphanet 154, MedGen C1858763, MONDO:0011400, OMIM 604145.
Autosomal recessive limb-girdle muscular dystrophy type 2J (LGMDR10). Also called: MUSCULAR DYSTROPHY, LIMB-GIRDLE, AUTOSOMAL RECESSIVE 10; Limb-girdle muscular dystrophy, type 2J. Identifiers: Orphanet 140922, MedGen C1837342, MONDO:0012127, OMIM 608807.
Cardiomyopathy (CMYO). Also called: Cardiomyopathies. Identifiers: Orphanet 167848, MedGen C0878544, MONDO:0004994, HP:0001638. Inheritance: Various modes of inheritance.

Allele frequency attached by ClinVar (database versions not stated): gnomAD exomes below 0.00001 and 0.00001; gnomAD 0.00001 and 0.00002; TOPMed 0.00002.
gnomAD v4.1: 11 of 1,613,662 alleles (0.00068%); highest among the groups gnomAD compares: Admixed American, 0.0033%; no homozygotes.

Submissions (6):

CeGaT Center for Human Genetics Tuebingen
Classification: Likely benign. Last evaluated: 2026-05-01. Review status: criteria provided, single submitter. Criteria: CeGaT Center For Human Genetics Tuebingen Variant Classification Criteria Version 2. Collection method: clinical testing. Allele origin: germline. Affected: yes. Observed: 1 variant allele.
Comment: TTN: BP4, BP7

PreventionGenetics, part of Exact Sciences
Classification: Likely benign for TTN-related condition. Last evaluated: 2026-03-30. Review status: criteria provided, single submitter. Criteria: ACMG Guidelines, 2015. Collection method: clinical testing. Allele origin: germline.
Comment: This variant is classified as likely benign based on ACMG/AMP sequence variant interpretation guidelines (Richards et al. 2015 PMID: 25741868, with internal and published modifications).

Labcorp Genetics (formerly Invitae), Labcorp
Classification: Likely benign for Dilated cardiomyopathy 1G; Autosomal recessive limb-girdle muscular dystrophy type 2J. Last evaluated: 2025-02-11. Review status: criteria provided, single submitter. Criteria: Invitae Variant Classification Sherloc (09022015). Collection method: clinical testing. Allele origin: germline.

Blueprint Genetics
Classification: Likely benign. Last evaluated: 2024-09-12. Review status: criteria provided, single submitter. Criteria: ACMG Guidelines, 2015. Collection method: clinical testing. Allele origin: germline.

CHEO Genetics Diagnostic Laboratory, Children's Hospital of Eastern Ontario
Classification: Likely benign for Cardiomyopathy. Last evaluated: 2021-06-22. Review status: criteria provided, single submitter. Criteria: ACMG Guidelines, 2015. Collection method: clinical testing. Allele origin: germline.

Eurofins Ntd Llc (ga)
Classification: Uncertain significance. Last evaluated: 2013-10-18. Review status: criteria provided, single submitter. Criteria: EGL Classification Definitions 2015. Collection method: clinical testing. Allele origin: germline. Observed: 1 variant allele, 1 heterozygote.

NM_001267550.2(TTN):c.24139T>C (p.Leu8047=)

Gene: TTN (titin; minus strand). Cytogenetic location: 2q31.2.
Variant type: single nucleotide variant.
Coding change: c.24139T>C on transcript NM_001267550.2 (MANE Select); coding-DNA position 24139, T replaced by C.
Protein change: p.Leu8047=; no amino-acid change (leucine 8047 retained).
Molecular consequence: synonymous variant. On other transcripts: intron variant (3).
Genome position (GRCh38, 1-based): chr2:178,719,251, A>G on the plus strand (T>C on the coding strand, the complement: TTN is on the minus strand). VCF-style: chr2-178719251-A-G. GRCh37 (hg19) VCF-style: chr2-179583978-A-G.
Other names: c.23188T>C, p.Leu7730= (NM_001256850.1); c.20407T>C, p.Leu6803= (NM_133378.4); c.13282+18831T>C (NM_003319.4); c.13858+18831T>C (NM_133437.4); c.13657+18831T>C (NM_133432.3).
Identifiers: ClinVar variation 96271 (VCV000096271.18), dbSNP rs398124442, ClinGen allele CA223900.